The following is an entry in ClinVar:

ClinVar aggregate classification (germline): Pathogenic (1 of 4 stars; one submission).

Conditions:
Hereditary breast ovarian cancer syndrome. Also called: Hereditary breast and ovarian cancer; Breast and ovarian cancer; BRCA1- and BRCA2-Associated Hereditary Breast and Ovarian Cancer; Hereditary breast and/or ovarian cancer syndrome; Hereditary breast and ovarian cancer syndrome; Hereditary breast and ovarian cancer syndrome (HBOC). Identifiers: Orphanet 145, MedGen C0677776, MeSH D061325, MONDO:0003582. Disease mechanism: loss of function.

Submission:

Labcorp Genetics (formerly Invitae), Labcorp
Classification: Pathogenic for Hereditary breast ovarian cancer syndrome. Last evaluated: 2021-08-12. Review status: criteria provided, single submitter. Criteria: Invitae Variant Classification Sherloc (09022015). Collection method: clinical testing. Allele origin: germline.
Comment: This variant is a gross deletion of the genomic region encompassing exon(s) 2 of the BRCA1 gene, which includes the initiator codon. This deletion extends beyond the assayed region for this gene and therefore may encompass additional genes. It is expected to result in an absent or disrupted protein product. Loss-of-function variants in BRCA1 are known to be pathogenic (PMID: 20104584). A similar copy number variant has been observed in individual(s) with breast and/or ovarian cancer (PMID: 20683152). For these reasons, this variant has been classified as Pathogenic.

Literature cited by the submitters: PubMed 20104584; PubMed 20683152.

NC_000017.10:g.(?_41276014)_(41276152_?)del

Gene: BRCA1 (BRCA1 DNA repair associated; minus strand). Cytogenetic location: 17q21.31.
Variant type: Deletion.
Identifiers: ClinVar variation 1076987 (VCV001076987.2).